The following is an entry in ClinVar:

ClinVar aggregate classification (germline): Pathogenic/Likely pathogenic. Review status: criteria provided, multiple submitters, no conflicts (2 of 4 stars). 2 submissions from 2 submitters: Pathogenic (1); Likely pathogenic (1). Last evaluated 2024-03-07.

Conditions:
Hyperkalemic periodic paralysis. Also called: Gamstorp disease; Familial hyperkalemic periodic paralysis. Identifiers: Orphanet 682, MedGen C0238357, MONDO:0008224, OMIM 170500, HP:0007215.

Submissions (2):

Labcorp Genetics (formerly Invitae), Labcorp
Classification: Likely pathogenic for Hyperkalemic periodic paralysis. Last evaluated: 2024-03-07. Review status: criteria provided, single submitter. Criteria: Invitae Variant Classification Sherloc (09022015). Collection method: clinical testing. Allele origin: germline.
Comment: This sequence change replaces methionine, which is neutral and non-polar, with isoleucine, which is neutral and non-polar, at codon 1592 of the SCN4A protein (p.Met1592Ile). This variant is not present in population databases (gnomAD no frequency). This missense change has been observed in individual(s) with clinical features of autosomal dominant SCN4A-related conditions (Invitae). ClinVar contains an entry for this variant (Variation ID: 280637). Advanced modeling of protein sequence and biophysical properties (such as structural, functional, and spatial information, amino acid conservation, physicochemical variation, residue mobility, and thermodynamic stability) performed at Invitae indicates that this missense variant is expected to disrupt SCN4A protein function with a positive predictive value of 95%. This variant disrupts the p.Met1592 amino acid residue in SCN4A. Other variant(s) that disrupt this residue have been determined to be pathogenic (PMID: 1659668, 8242056, 9131651, 18046642, 21665479, 23801527, 24943082). This suggests that this residue is clinically significant, and that variants that disrupt this residue are likely to be disease-causing. In summary, the currently available evidence indicates that the variant is pathogenic, but additional data are needed to prove that conclusively. Therefore, this variant has been classified as Likely Pathogenic.

GeneDx
Classification: Pathogenic. Last evaluated: 2016-05-24. Review status: criteria provided, single submitter. Criteria: GeneDx Variant Classification (06012015). Collection method: clinical testing. Allele origin: germline. Affected: yes.
Comment: The M1592I variant in the SCN4A gene has not been reported previously as a pathogenic variant nor as a benign variant, to our knowledge. The M1592I variant was not observed in approximately 6500 individuals of European and African American ancestry in the NHLBI Exome Sequencing Project, indicating it is not a common benign variant in these populations. The M1592I variant is a conservative amino acid substitution, which is not likely to impact secondary protein structure as these residues share similar properties. This substitution occurs at a position that is conserved across species. In silico analysis predicts this variant is probably damaging to the protein structure/function. A missense variant in the same residue (M1592V) has been reported in the Human Gene Mutation Database in association with hyperkalemic periodic paralysis (Stenson et al., 2014), supporting the functional importance of this residue.

Literature cited by the submitters: PubMed 1659668 (cited by Labcorp Genetics (formerly Invitae), Labcorp); PubMed 8242056 (cited by Labcorp Genetics (formerly Invitae), Labcorp); PubMed 9131651 (cited by Labcorp Genetics (formerly Invitae), Labcorp); PubMed 18046642 (cited by Labcorp Genetics (formerly Invitae), Labcorp); PubMed 21665479 (cited by Labcorp Genetics (formerly Invitae), Labcorp); PubMed 23801527 (cited by Labcorp Genetics (formerly Invitae), Labcorp); PubMed 24943082 (cited by Labcorp Genetics (formerly Invitae), Labcorp).

NM_000334.4(SCN4A):c.4776G>T (p.Met1592Ile)

Genes: GH-LCR (growth hormone locus control region; plus strand), SCN4A (sodium voltage-gated channel alpha subunit 4; minus strand). Cytogenetic location: 17q23.3.
Variant type: single nucleotide variant.
Coding change: c.4776G>T on transcript NM_000334.4 (MANE Select); coding-DNA position 4776, G replaced by T.
Protein change: p.Met1592Ile; replaces methionine 1592 with isoleucine.
Molecular consequence: missense variant.
Genome position (GRCh38, 1-based): chr17:63,941,506, C>A on the plus strand (G>T on the coding strand, the complement: SCN4A is on the minus strand). VCF-style: chr17-63941506-C-A. GRCh37 (hg19) VCF-style: chr17-62018866-C-A.
Other names: short protein forms M1592I.
Identifiers: ClinVar variation 280637 (VCV000280637.4), dbSNP rs886041805, ClinGen allele CA10603317.
Genomic context (GRCh38, chr17:63,941,506, plus strand): 5'-AAGGGGCTCGCTGCTCTCCTCTGTGGCCACATTGAAGTTCTCCAGGATGATGGCGATGTA[C>A]ATGTTGACCACGATGAGGAAGGAGATGATGATATAGCTGCAGAAGAAGCAGATGCCGATG-3'
Protein context (NP_000325.4, residues 1582-1602): IIISFLIVVN[Met1592Ile]YIAIILENFN